The following is an entry in ClinVar:

ClinVar aggregate classification (germline): Uncertain significance (1 of 4 stars; one submission).

gnomAD v4.1: 1 of 1,613,312 alleles (0.000062%); highest among the groups gnomAD compares: Admixed American, 0.0017%; no homozygotes.

Submission:

GeneDx
Classification: Uncertain significance. Last evaluated: 2026-03-30. Review status: criteria provided, single submitter. Criteria: GeneDx Variant Classification Process June 2021. Collection method: clinical testing. Allele origin: germline.
Comment: In silico analysis supports that this missense variant has a deleterious effect on protein structure/function; Has not been previously published as pathogenic or benign to our knowledge; This variant is associated with the following publications: (PMID: 16227997)

NM_001005361.3(DNM2):c.962A>C (p.Asp321Ala)

Gene: DNM2 (dynamin 2; plus strand). Cytogenetic location: 19p13.2.
Variant type: single nucleotide variant.
Coding change: c.962A>C on transcript NM_001005361.3 (MANE Select); coding-DNA position 962, A replaced by C.
Protein change: p.Asp321Ala; replaces aspartic acid 321 with alanine.
Molecular consequence: missense variant.
Genome position (GRCh38, 1-based): chr19:10,786,676, A>C. VCF-style: chr19-10786676-A-C. GRCh37 (hg19) VCF-style: chr19-10897352-A-C.
Other names: c.962A>C, p.Asp321Ala (NM_001005360.3, NM_001005362.3, NM_001190716.2 and 1 more transcripts); short protein forms D321A.
Identifiers: ClinVar variation 5017483 (VCV005017483.1).